The following is an entry in ClinVar:

NM_022124.6(CDH23):c.6847G>C (p.Val2283Leu)

Gene: CDH23 (cadherin related 23; plus strand). Cytogenetic location: 10q22.1.
Variant type: single nucleotide variant.
Coding change: c.6847G>C on transcript NM_022124.6 (MANE Select); coding-DNA position 6847, G replaced by C.
Protein change: p.Val2283Leu; replaces valine 2283 with leucine.
Molecular consequence: missense variant.
Genome position (GRCh38, 1-based): chr10:71,798,371, G>C. VCF-style: chr10-71798371-G-C. GRCh37 (hg19) VCF-style: chr10-73558128-G-C.
Other names: c.127G>C, p.Val43Leu (NM_001171933.1, NM_001171934.1); short protein forms V2283L, V43L.
Identifiers: ClinVar variation 2130903 (VCV002130903.4), dbSNP rs41281334, ClinGen allele CA377157670.

ClinVar aggregate classification (germline): Uncertain significance (1 of 4 stars; one submission).

Submission:

Labcorp Genetics (formerly Invitae), Labcorp
Classification: Uncertain significance. Last evaluated: 2022-04-26. Review status: criteria provided, single submitter. Criteria: Invitae Variant Classification Sherloc (09022015). Collection method: clinical testing. Allele origin: germline.
Comment: In summary, the available evidence is currently insufficient to determine the role of this variant in disease. Therefore, it has been classified as a Variant of Uncertain Significance. Algorithms developed to predict the effect of missense changes on protein structure and function are either unavailable or do not agree on the potential impact of this missense change (SIFT: "Tolerated"; PolyPhen-2: "Not Available"; Align-GVGD: "Class C0"). This variant has not been reported in the literature in individuals affected with CDH23-related conditions. This variant is not present in population databases (gnomAD no frequency). This sequence change replaces valine, which is neutral and non-polar, with leucine, which is neutral and non-polar, at codon 2283 of the CDH23 protein (p.Val2283Leu).